The following is an entry in ClinVar:

NM_006979.3(SLC39A7):c.568C>G (p.Pro190Ala)

Gene: SLC39A7 (solute carrier family 39 member 7; plus strand). Cytogenetic location: 6p21.32.
Variant type: single nucleotide variant.
Coding change: c.568C>G on transcript NM_006979.3 (MANE Select); coding-DNA position 568, C replaced by G.
Protein change: p.Pro190Ala; replaces proline 190 with alanine.
Molecular consequence: missense variant.
Genome position (GRCh38, 1-based): chr6:33,201,901, C>G. VCF-style: chr6-33201901-C-G. GRCh37 (hg19) VCF-style: chr6-33169678-C-G.
Other names: c.568C>G, p.Pro190Ala (NM_001077516.2); c.193C>G, p.Pro65Ala (NM_001288777.2); short protein forms P65A, P190A.
Identifiers: ClinVar variation 1507871 (VCV001507871.8), dbSNP rs563866464, ClinGen allele CA137060147.

ClinVar aggregate classification (germline): Pathogenic. Review status: criteria provided, single submitter (1 of 4 stars). 2 submissions from 2 submitters: Pathogenic (1). 1 of the submissions does not count toward it. Last evaluated 2025-06-02.

Conditions:
Agammaglobulinemia 9, autosomal recessive (AGM9). Also called: AGAMMAGLOBULINEMIA, AUTOSOMAL RECESSIVE, DUE TO SLC39A7 DEFECT. Identifiers: Orphanet 693627, MedGen C5562059, MONDO:0030519, OMIM 619693.

Allele frequency attached by ClinVar (database versions not stated): gnomAD 0.00003 and 0.00002; TOPMed 0.00002; gnomAD exomes below 0.00001.
gnomAD v4.1: 20 of 1,612,712 alleles (0.0012%); highest among the groups gnomAD compares: Non-Finnish European, 0.0015%; no homozygotes.

Submissions (2):

Labcorp Genetics (formerly Invitae), Labcorp
Classification: Pathogenic. Last evaluated: 2025-06-02. Review status: criteria provided, single submitter. Criteria: Invitae Variant Classification Sherloc (09022015). Collection method: clinical testing. Allele origin: germline.
Comment: This sequence change replaces proline, which is neutral and non-polar, with alanine, which is neutral and non-polar, at codon 190 of the SLC39A7 protein (p.Pro190Ala). This variant is present in population databases (rs563866464, gnomAD 0.007%). This missense change has been observed in individual(s) with agammaglobulinemia (PMID: 30718914; internal data). In at least one individual the data is consistent with being in trans (on the opposite chromosome) from a pathogenic variant. It has also been observed to segregate with disease in related individuals. ClinVar contains an entry for this variant (Variation ID: 1507871). An algorithm developed to predict the effect of missense changes on protein structure and function (PolyPhen-2) suggests that this variant is likely to be disruptive. Experimental studies have shown that this missense change affects SLC39A7 function (PMID: 30718914). For these reasons, this variant has been classified as Pathogenic.

OMIM
Classification: Pathogenic for AGAMMAGLOBULINEMIA 9, AUTOSOMAL RECESSIVE. Last evaluated: 2022-01-18. Review status: no assertion criteria provided. Collection method: literature only. Allele origin: germline. Not counted in ClinVar's aggregate classification.

Literature cited by the submitters: PubMed 30718914 (cited by Labcorp Genetics (formerly Invitae), Labcorp and OMIM).